The following is an entry in ClinVar:

NM_000517.6(HBA2):c.245C>T (p.Ser82Phe)

Genes: HBA2 (hemoglobin subunit alpha 2; plus strand), LOC106804612 (hemoglobin subunit alpha 2 recombination region; plus strand). Cytogenetic location: 16p13.3.
Variant type: single nucleotide variant.
Coding change: c.245C>T on transcript NM_000517.6 (MANE Select); coding-DNA position 245, C replaced by T.
Protein change: p.Ser82Phe; replaces serine 82 with phenylalanine.
Molecular consequence: missense variant.
Genome position (GRCh38, 1-based): chr16:173,274, C>T. VCF-style: chr16-173274-C-T. GRCh37 (hg19) VCF-style: chr16-223273-C-T.
Other names: short protein forms S82F.
Identifiers: ClinVar variation 995797 (VCV000995797.2), dbSNP rs281864864, ClinGen allele CA393993742.

ClinVar aggregate classification (germline): Benign (0 of 4 stars; one submission).

Conditions:
alpha Thalassemia. Also called: Alpha thalassemia spectrum. Identifiers: Orphanet 846, MedGen C0002312, MONDO:0011399, OMIM 604131.

Submission:

Department of Medical Genetics, Yunnan Provincial Key Laboratory for Birth Defects and Genetic Diseases, The First People’s Hospital of Yunnan Province
Classification: Benign for alpha-Thalassemia. Last evaluated: 2020-12-01. Review status: no assertion criteria provided. Collection method: clinical testing. Allele origin: inherited. Affected: yes. Observed: 3 variant alleles.